The following is an entry in ClinVar:

NM_014804.3(KIAA0753):c.841G>A (p.Glu281Lys)

Gene: KIAA0753 (KIAA0753; minus strand). Cytogenetic location: 17p13.1.
Variant type: single nucleotide variant.
Coding change: c.841G>A on transcript NM_014804.3 (MANE Select); coding-DNA position 841, G replaced by A.
Protein change: p.Glu281Lys; replaces glutamic acid 281 with lysine.
Molecular consequence: missense variant. On other transcripts: non-coding transcript variant (1), intron variant (1).
Genome position (GRCh38, 1-based): chr17:6,623,556, C>T on the plus strand (G>A on the coding strand, the complement: KIAA0753 is on the minus strand). VCF-style: chr17-6623556-C-T. GRCh37 (hg19) VCF-style: chr17-6526876-C-T.
Other names: c.-10+51G>A (NM_001351225.2); short protein forms E281K.
Identifiers: ClinVar variation 1997251 (VCV001997251.4), dbSNP rs2544495929, ClinGen allele CA397413249.

ClinVar aggregate classification (germline): Uncertain significance (1 of 4 stars; one submission).

Submission:

Labcorp Genetics (formerly Invitae), Labcorp
Classification: Uncertain significance. Last evaluated: 2022-08-05. Review status: criteria provided, single submitter. Criteria: Invitae Variant Classification Sherloc (09022015). Collection method: clinical testing. Allele origin: germline.
Comment: This sequence change replaces glutamic acid, which is acidic and polar, with lysine, which is basic and polar, at codon 281 of the KIAA0753 protein (p.Glu281Lys). This variant is not present in population databases (gnomAD no frequency). This variant has not been reported in the literature in individuals affected with KIAA0753-related conditions. Algorithms developed to predict the effect of missense changes on protein structure and function are either unavailable or do not agree on the potential impact of this missense change (SIFT: "Tolerated"; PolyPhen-2: "Probably Damaging"; Align-GVGD: "Class C0"). In summary, the available evidence is currently insufficient to determine the role of this variant in disease. Therefore, it has been classified as a Variant of Uncertain Significance.